The following is an entry in ClinVar:

ClinVar aggregate classification (germline): Uncertain significance (1 of 4 stars; one submission).

gnomAD v4.1: 1 of 1,612,048 alleles (0.000062%); highest among the groups gnomAD compares: East Asian, 0.0022%; no homozygotes.

Submission:

Dasa
Classification: Uncertain significance. Last evaluated: 2026-05-13. Review status: criteria provided, single submitter. Criteria: DASA Assertion Criteria. Collection method: clinical testing. Allele origin: germline.
Comment: NM_004380.3(CREBBP):c.6175C>T (p.Pro2059Ser) is a missense variant that results in the substitution of proline with serine. This variant is rare in population databases. The currently available literature and clinical evidence are not sufficient to establish a definitive association between this variant and the reported condition. Therefore, this variant is classified as a variant of uncertain significance.

NM_004380.3(CREBBP):c.6175C>T (p.Pro2059Ser)

Gene: CREBBP (CREB binding lysine acetyltransferase; minus strand). Cytogenetic location: 16p13.3.
Variant type: single nucleotide variant.
Coding change: c.6175C>T on transcript NM_004380.3 (MANE Select); coding-DNA position 6175, C replaced by T.
Protein change: p.Pro2059Ser; replaces proline 2059 with serine.
Molecular consequence: missense variant.
Genome position (GRCh38, 1-based): chr16:3,728,872, G>A on the plus strand (C>T on the coding strand, the complement: CREBBP is on the minus strand). VCF-style: chr16-3728872-G-A. GRCh37 (hg19) VCF-style: chr16-3778873-G-A.
Other names: c.6061C>T, p.Pro2021Ser (NM_001079846.1); short protein forms P2021S, P2059S.
Identifiers: ClinVar variation 5020579 (VCV005020579.1).